The following is an entry in ClinVar:

ClinVar aggregate classification (germline): Uncertain significance (1 of 4 stars; one submission).

Submission:

GeneDx
Classification: Uncertain significance. Last evaluated: 2026-03-23. Review status: criteria provided, single submitter. Criteria: GeneDx Variant Classification Process June 2021. Collection method: clinical testing. Allele origin: germline.
Comment: Not observed at significant frequency in large population cohorts (gnomAD); In silico analysis suggests that this missense variant does not alter protein structure/function; Has not been previously published as pathogenic or benign to our knowledge

NM_021964.3(ZNF148):c.1031A>C (p.Asp344Ala)

Gene: ZNF148 (zinc finger protein 148; minus strand). Cytogenetic location: 3q21.2.
Variant type: single nucleotide variant.
Coding change: c.1031A>C on transcript NM_021964.3 (MANE Select); coding-DNA position 1031, A replaced by C.
Protein change: p.Asp344Ala; replaces aspartic acid 344 with alanine.
Molecular consequence: missense variant.
Genome position (GRCh38, 1-based): chr3:125,233,695, T>G on the plus strand (A>C on the coding strand, the complement: ZNF148 is on the minus strand). VCF-style: chr3-125233695-T-G. GRCh37 (hg19) VCF-style: chr3-124952539-T-G.
Other names: c.1031A>C, p.Asp344Ala (NM_001348424.1, NM_001348425.2, NM_001348426.2 and 7 more transcripts); c.905A>C, p.Asp302Ala (NM_001348434.2); short protein forms D302A, D344A.
Identifiers: ClinVar variation 5017353 (VCV005017353.1).
Genomic context (GRCh38, chr3:125,233,695, plus strand): 5'-TATTCTGCAACCATATACTCATCTTTTACTTTAGTACTTGAAGAATAAAGAGGCAAGTAA[T>G]CATTTTTGTCTTTTTTCAGGTCAGATTTGTCCAAAGCACTCTCTTTGTCCATTCCAGATG-3'
Protein context (NP_068799.2, residues 334-354): DKSDLKKDKN[Asp344Ala]YLPLYSSSTK